The following is an entry in ClinVar:

ClinVar aggregate classification (germline): Likely benign (1 of 4 stars; one submission).

Allele frequency attached by ClinVar (database versions not stated): gnomAD exomes 0.00091; gnomAD 0.00803; TOPMed 0.00849; 1000 Genomes Project 0.00859; 1000 Genomes Project 30x 0.00953.
gnomAD v4.1: 2,022 of 985,162 alleles (0.21%); highest among the groups gnomAD compares: African/African-American, 2.6%; 20 homozygotes.

Submission:

GeneDx
Classification: Likely benign. Last evaluated: 2020-04-02. Review status: criteria provided, single submitter. Criteria: GeneDx Variant Classification Process June 2021. Collection method: clinical testing. Allele origin: germline. Affected: yes.
Comment: See Variant Classification Assertion Criteria.

NM_017662.5(TRPM6):c.2538+130G>A

Gene: TRPM6 (transient receptor potential cation channel subfamily M member 6; minus strand). Cytogenetic location: 9q21.13.
Variant type: single nucleotide variant.
Coding change: c.2538+130G>A on transcript NM_017662.5 (MANE Select); 130 bases into the intron after coding-DNA position 2538, G replaced by A.
Molecular consequence: intron variant.
Genome position (GRCh38, 1-based): chr9:74,792,494, C>T on the plus strand (G>A on the coding strand, the complement: TRPM6 is on the minus strand). VCF-style: chr9-74792494-C-T. GRCh37 (hg19) VCF-style: chr9-77407410-C-T.
Other names: c.2523+130G>A (NM_001177310.2, NM_001177311.2).
Identifiers: ClinVar variation 1707268 (VCV001707268.2), dbSNP rs73650076, ClinGen allele CA194296657.
Genomic context (GRCh38, chr9:74,792,494, plus strand): 5'-GGTGAGCTCCACCCTAACTTCTCCCTGCCTTCCTCCAGTCCTCTTTGCTACCTACTTTGT[C>T]ATGCCCTCACTTTTTTTTAACTAGGTTTCTACATTTTTAATGCAAAGTGGCAAATCAGGC-3'